The following is an entry in ClinVar:

ClinVar aggregate classification (germline): Uncertain significance (1 of 4 stars; one submission).

Submission:

Labcorp Genetics (formerly Invitae), Labcorp
Classification: Uncertain significance. Last evaluated: 2022-08-04. Review status: criteria provided, single submitter. Criteria: Invitae Variant Classification Sherloc (09022015). Collection method: clinical testing. Allele origin: germline.
Comment: In summary, the available evidence is currently insufficient to determine the role of this variant in disease. Therefore, it has been classified as a Variant of Uncertain Significance. Algorithms developed to predict the effect of sequence changes on RNA splicing suggest that this variant may create or strengthen a splice site. This variant has not been reported in the literature in individuals affected with C1QBP-related conditions. This variant is not present in population databases (gnomAD no frequency). This sequence change falls in intron 3 of the C1QBP gene. It does not directly change the encoded amino acid sequence of the C1QBP protein.

NM_001212.4(C1QBP):c.478-7del

Gene: C1QBP (complement C1q binding protein; minus strand). Cytogenetic location: 17p13.2.
Variant type: Deletion.
Coding change: c.478-7del on transcript NM_001212.4 (MANE Select); 7 bases into the intron before coding-DNA position 478, one base deleted (T; older notation c.478-7delT).
Molecular consequence: intron variant.
Genome position (GRCh38, 1-based): chr17:5,433,774, A deleted on the plus strand (T on the coding strand, the reverse complement: C1QBP is on the minus strand); the first of 3 consecutive A bases (chr17:5,433,774-5,433,776); deleting any one gives the same sequence. VCF-style (leftmost placement, unchanged base first): chr17-5433773-GA-G. GRCh37 (hg19) VCF-style: chr17-5337093-GA-G.
Identifiers: ClinVar variation 2021460 (VCV002021460.4), dbSNP rs2507763653, ClinGen allele CA2580093537.
Genomic context (GRCh38, chr17:5,433,773, plus strand): 5'-CATCATCATTCTTTATAACTTCAACCACGAAATTGGGAGTTGATGTCAGTTCAGGCTGGG[GA>G]AACAAGAAGTCAATACATGCTGCTGCTGGAAGGAGATGGATGGCTGGATCAAGGATCTCT-3'